The following is an entry in ClinVar:

NM_000545.8(HNF1A):c.1108-6del

Gene: HNF1A (HNF1 homeobox A; plus strand). Cytogenetic location: 12q24.31.
Variant type: Deletion.
Coding change: c.1108-6del on transcript NM_000545.8 (MANE Select); 6 bases into the intron before coding-DNA position 1108, one base deleted (T; older notation c.1108-6delT).
Molecular consequence: intron variant.
Genome position (GRCh38, 1-based): chr12:120,996,535, T deleted. VCF-style (leftmost placement, unchanged base first): chr12-120996534-CT-C. GRCh37 (hg19) VCF-style: chr12-121434337-CT-C.
Other names: c.1108-6del (NM_001306179.2).
Identifiers: ClinVar variation 1108836 (VCV001108836.10), dbSNP rs1439874755, ClinGen allele CA684423909.

ClinVar aggregate classification (germline): Likely benign. Review status: criteria provided, multiple submitters, no conflicts (2 of 4 stars). 2 submissions from 2 submitters: Likely benign (2). Last evaluated 2024-05-23.

Allele frequency attached by ClinVar (database versions not stated): gnomAD 0.00001; TOPMed 0.00001.

Submissions (2):

Labcorp Genetics (formerly Invitae), Labcorp
Classification: Likely benign. Last evaluated: 2024-05-23. Review status: criteria provided, single submitter. Criteria: Invitae Variant Classification Sherloc (09022015). Collection method: clinical testing. Allele origin: germline.

GeneDx
Classification: Likely benign. Last evaluated: 2023-03-17. Review status: criteria provided, single submitter. Criteria: GeneDx Variant Classification Process June 2021. Collection method: clinical testing. Allele origin: germline. Affected: yes.
Comment: See Variant Classification Assertion Criteria.